The following is an entry in ClinVar:

ClinVar aggregate classification (germline): Uncertain significance (1 of 4 stars; one submission).

gnomAD v4.1: 1 of 1,611,742 alleles (0.000062%); highest among the groups gnomAD compares: Non-Finnish European, 0.000085%; no homozygotes.

Submission:

GeneDx
Classification: Uncertain significance. Last evaluated: 2026-02-24. Review status: criteria provided, single submitter. Criteria: GeneDx Variant Classification Process June 2021. Collection method: clinical testing. Allele origin: germline.
Comment: Not observed at significant frequency in large population cohorts (gnomAD); In silico analysis suggests that this missense variant does not alter protein structure/function; Has not been previously published as pathogenic or benign to our knowledge

NM_001330078.2(NRXN1):c.530G>A (p.Arg177Gln)

Gene: NRXN1 (neurexin 1; minus strand). Cytogenetic location: 2p16.3.
Variant type: single nucleotide variant.
Coding change: c.530G>A on transcript NM_001330078.2 (MANE Select); coding-DNA position 530, G replaced by A.
Protein change: p.Arg177Gln; replaces arginine 177 with glutamine.
Molecular consequence: missense variant.
Genome position (GRCh38, 1-based): chr2:51,027,744, C>T on the plus strand (G>A on the coding strand, the complement: NRXN1 is on the minus strand). VCF-style: chr2-51027744-C-T. GRCh37 (hg19) VCF-style: chr2-51254882-C-T.
Other names: c.530G>A, p.Arg177Gln (NM_001135659.3, NM_001330077.2, NM_001330079.2 and 15 more transcripts); short protein forms R177Q.
Identifiers: ClinVar variation 5009613 (VCV005009613.1).